The following is an entry in ClinVar:

ClinVar aggregate classification (germline): Uncertain significance (1 of 4 stars; one submission).

Conditions:
Lafora disease. Also called: Epilepsy progressive myoclonic 2. Identifiers: Orphanet 501, MedGen C0751783, MONDO:0009697.

gnomAD v4.1: 2 of 1,614,120 alleles (0.00012%); highest among the groups gnomAD compares: African/African-American, 0.0013%; no homozygotes.

Submission:

Broad Center for Mendelian Genomics, Broad Institute of MIT and Harvard
Classification: Uncertain significance for Lafora disease. Last evaluated: 2025-01-03. Review status: criteria provided, single submitter. Criteria: ACMG Guidelines, 2015. Collection method: curation. Allele origin: germline. Inheritance: Autosomal recessive inheritance.
Comment: The p.Gly279Val variant in EPM2A has been reported, in the homozygous state, in 2 siblings with Lafora disease (DOI 10.1186/s42466-019-0040-2), and has been identified in 0.001% (1/74950) of African/African American chromosomes by the Genome Aggregation Database (gnomAD; dbSNP rs1775910863). Although this variant has been seen in the general population in a heterozygous state, its frequency is low enough to be consistent with a recessive carrier frequency. Computational prediction tools and conservation analyses suggest that this variant may impact the protein, though this information is not predictive enough to determine pathogenicity. Two additional likely pathogenic/pathogenic variants, resulting in a different amino acid change at the same position, p.Gly279Cys and p.Gly279Ser, have been reported in association with disease in ClinVar, supporting that a change at this position may not be tolerated (Variation ID: 834981, 3099). In summary, while there is some suspicion for a pathogenic role, the clinical significance of this variant is uncertain. ACMG/AMP Criteria applied: PM5, PP3, PM2_supporting, PM3_supporting (Richards 2015).

NM_005670.4(EPM2A):c.836G>T (p.Gly279Val)

Gene: EPM2A (EPM2A glucan phosphatase, laforin; minus strand). Cytogenetic location: 6q24.3.
Variant type: single nucleotide variant.
Coding change: c.836G>T on transcript NM_005670.4 (MANE Select); coding-DNA position 836, G replaced by T.
Protein change: p.Gly279Val; replaces glycine 279 with valine.
Molecular consequence: missense variant. On other transcripts: synonymous variant (1), non-coding transcript variant (1).
Genome position (GRCh38, 1-based): chr6:145,627,576, C>A on the plus strand (G>T on the coding strand, the complement: EPM2A is on the minus strand). VCF-style: chr6-145627576-C-A. GRCh37 (hg19) VCF-style: chr6-145948712-C-A.
Other names: NR_153398.2:n.409G>T; c.836G>T, p.Gly279Val (NM_001018041.2); c.594G>T, p.Arg198= (NM_001360057.2); c.422G>T, p.Gly141Val (NM_001360064.2, NM_001360071.2, NM_001368131.1); c.374G>T, p.Gly125Val (NM_001368129.2, NM_001368132.1); short protein forms G125V, G141V, G279V.
Identifiers: ClinVar variation 3776990 (VCV003776990.1).